The following is an entry in ClinVar:

NM_014208.3(DSPP):c.3627C>T (p.Asp1209=)

Genes: DMP1-AS1 (DMP1 and DSPP antisense RNA 1; minus strand), DSPP (dentin sialophosphoprotein; plus strand). Cytogenetic location: 4q22.1.
Variant type: single nucleotide variant.
Coding change: c.3627C>T on transcript NM_014208.3 (MANE Select); coding-DNA position 3627, C replaced by T.
Protein change: p.Asp1209=; no amino-acid change (aspartic acid 1209 retained).
Molecular consequence: synonymous variant.
Genome position (GRCh38, 1-based): chr4:87,616,289, C>T. VCF-style: chr4-87616289-C-T. GRCh37 (hg19) VCF-style: chr4-88537441-C-T.
Identifiers: ClinVar variation 4083599 (VCV004083599.8).

ClinVar aggregate classification (germline): Likely benign (1 of 4 stars; one submission).

gnomAD v4.1: 516 of 1,373,614 alleles (0.038%); highest among the groups gnomAD compares: African/African-American, 0.81%; 7 homozygotes.

Submission:

CeGaT Center for Human Genetics Tuebingen
Classification: Likely benign. Last evaluated: 2025-06-01. Review status: criteria provided, single submitter. Criteria: CeGaT Center For Human Genetics Tuebingen Variant Classification Criteria Version 2. Collection method: clinical testing. Allele origin: germline. Affected: yes. Observed: 1 variant allele.
Comment: DSPP: BP4, BP7